The following is an entry in ClinVar:

NM_006302.3(MOGS):c.580-21_580-20delinsG

Gene: MOGS (mannosyl-oligosaccharide glucosidase; minus strand). Cytogenetic location: 2p13.1.
Variant type: Indel.
Coding change: c.580-21_580-20delinsG on transcript NM_006302.3 (MANE Select); 21 bases into the intron before coding-DNA position 580 through 20 bases into the intron before coding-DNA position 580, CT replaced by G.
Molecular consequence: intron variant.
Genome position (GRCh38, 1-based): chr2:74,463,406-74,463,407, AG replaced by C on the plus strand (CT replaced by G on the coding strand, the reverse complement: MOGS is on the minus strand). VCF-style: chr2-74463406-AG-C. GRCh37 (hg19) VCF-style: chr2-74690533-AG-C.
Other names: c.580-21_580-20delinsG (LRG_1226t1); c.262-21_262-20delinsG (NM_001146158.2).
Identifiers: ClinVar variation 421934 (VCV000421934.1), dbSNP rs1064795454, ClinGen allele CA16617766.
Genomic context (GRCh38, chr2:74,463,406, plus strand): 5'-AAGAACAGGGAGACCAAAGGGAGGGCAGAAGTACCTGAGTCCTGAGTGACCAACGAGGAC[AG>C]AAAAGAACAGTGTTAGATTGGCATTCTCTCTTGAATTCCCTCTTGAGAATCAGCCTTAGT-3'

ClinVar aggregate classification (germline): Likely benign (1 of 4 stars; one submission).

Submission:

GeneDx
Classification: Likely benign. Last evaluated: 2016-08-11. Review status: criteria provided, single submitter. Criteria: GeneDx Variant Classification (06012015). Collection method: clinical testing. Allele origin: germline. Affected: yes.
Comment: This variant is considered likely benign or benign based on one or more of the following criteria: it is a conservative change, it occurs at a poorly conserved position in the protein, it is predicted to be benign by multiple in silico algorithms, and/or has population frequency not consistent with disease.